The following is an entry in ClinVar:

ClinVar aggregate classification (germline): Likely pathogenic (1 of 4 stars; one submission).

Conditions:
Neurodevelopmental disorder with microcephaly, impaired language, and gait abnormalities. Identifiers: MedGen C5436783, MONDO:0100348, OMIM 619091.

Submission:

First Genomix Gene Laboratory, Genetic Diagnostics Department
Classification: Likely pathogenic for Neurodevelopmental disorder with microcephaly, impaired language, and gait abnormalities. Last evaluated: 2025-08-22. Review status: criteria provided, single submitter. Criteria: ACMG Guidelines, 2015. Collection method: clinical testing. Allele origin: germline. Inheritance: Autosomal recessive inheritance. Affected: no. Observed: 1 variant allele.

NM_004539.4(NARS1):c.802-2A>G

Gene: NARS1 (asparaginyl-tRNA synthetase 1; minus strand). Cytogenetic location: 18q21.31.
Variant type: single nucleotide variant.
Coding change: c.802-2A>G on transcript NM_004539.4 (MANE Select); the canonical splice acceptor site of the intron before coding-DNA position 802, A replaced by G.
Molecular consequence: splice acceptor variant.
Genome position (GRCh38, 1-based): chr18:57,607,335, T>C on the plus strand (A>G on the coding strand, the complement: NARS1 is on the minus strand). VCF-style: chr18-57607335-T-C. GRCh37 (hg19) VCF-style: chr18-55274567-T-C.
Identifiers: ClinVar variation 4850352 (VCV004850352.1).